The following is an entry in ClinVar:

ClinVar aggregate classification (germline): Uncertain significance. Review status: criteria provided, single submitter (1 of 4 stars). 2 submissions from 2 submitters: Uncertain significance (1). 1 of the submissions does not count toward it. Last evaluated 2021-11-07.

Conditions:
RASopathy. Also called: rasopathies; Noonan spectrum disorder. Identifiers: Orphanet 536391, MedGen C5555857, MONDO:0021060.
BRAF-related disorder. Also called: BRAF-related condition.

Allele frequency attached by ClinVar (database versions not stated): gnomAD exomes below 0.00001.
gnomAD v4.1: 2 of 1,608,730 alleles (0.00012%); highest among the groups gnomAD compares: South Asian, 0.0011%; no homozygotes.

Submissions (2):

Labcorp Genetics (formerly Invitae), Labcorp
Classification: Uncertain significance for RASopathy. Last evaluated: 2021-11-07. Review status: criteria provided, single submitter. Criteria: Invitae Variant Classification Sherloc (09022015). Collection method: clinical testing. Allele origin: germline.
Comment: In summary, the available evidence is currently insufficient to determine the role of this variant in disease. Therefore, it has been classified as a Variant of Uncertain Significance. This variant is not present in population databases (gnomAD no frequency). This variant has not been reported in the literature in individuals affected with BRAF-related conditions. Advanced modeling of protein sequence and biophysical properties (such as structural, functional, and spatial information, amino acid conservation, physicochemical variation, residue mobility, and thermodynamic stability) performed at Invitae indicates that this missense variant is expected to disrupt BRAF protein function. This sequence change replaces arginine, which is basic and polar, with tryptophan, which is neutral and slightly polar, at codon 735 of the BRAF protein (p.Arg735Trp).

PreventionGenetics, part of Exact Sciences
Classification: Uncertain significance for BRAF-related condition. Last evaluated: 2024-05-09. Review status: no assertion criteria provided. Collection method: clinical testing. Allele origin: germline. Not counted in ClinVar's aggregate classification.
Comment: The BRAF c.2203C>T variant is predicted to result in the amino acid substitution p.Arg735Trp. To our knowledge, this variant has not been reported in the literature or in a large population database, indicating this variant is rare. At this time, the clinical significance of this variant is uncertain due to the absence of conclusive functional and genetic evidence.

NM_004333.6(BRAF):c.2203C>T (p.Arg735Trp)

Gene: BRAF (B-Raf proto-oncogene, serine/threonine kinase; minus strand). Cytogenetic location: 7q34.
Variant type: single nucleotide variant.
Coding change: c.2203C>T on transcript NM_004333.6 (MANE Select); coding-DNA position 2203, C replaced by T.
Protein change: p.Arg735Trp; replaces arginine 735 with tryptophan.
Molecular consequence: missense variant. On other transcripts: intron variant (2).
Genome position (GRCh38, 1-based): chr7:140,734,695, G>A on the plus strand (C>T on the coding strand, the complement: BRAF is on the minus strand). VCF-style: chr7-140734695-G-A. GRCh37 (hg19) VCF-style: chr7-140434495-G-A.
Other names: c.2203C>T (NM_004333.4); c.2203C>T, p.Arg735Trp (NM_001354609.2); c.2323C>T, p.Arg775Trp (NM_001374244.1, NM_001374258.1); c.2212C>T, p.Arg738Trp (NM_001378467.1); c.2137C>T, p.Arg713Trp (NM_001378469.1); c.2101C>T, p.Arg701Trp (NM_001378470.1); c.2092C>T, p.Arg698Trp (NM_001378471.1); c.2047C>T, p.Arg683Trp (NM_001378472.1, NM_001378473.1); and 2 more; short protein forms R647W, R683W, R735W, R701W, R713W, R738W, R775W, R698W.
Identifiers: ClinVar variation 1349879 (VCV001349879.7), dbSNP rs2130868602, ClinGen allele CA369537217.